The following is an entry in ClinVar:

ClinVar aggregate classification (germline): Pathogenic (1 of 4 stars; one submission).

Conditions:
Ataxia-telangiectasia syndrome (AT). Also called: LOUIS-BAR SYNDROME; Cerebello-oculocutaneous telangiectasia; Immunodeficiency with ataxia telangiectasia; AT, COMPLEMENTATION GROUP C; Ataxia-telangiectasia, complementation group D; ATAXIA-TELANGIECTASIA, COMPLEMENTATION GROUP A. Identifiers: Orphanet 100, MedGen C0004135, MONDO:0008840, OMIM 208900.

Submission:

Labcorp Genetics (formerly Invitae), Labcorp
Classification: Pathogenic for Ataxia-telangiectasia syndrome. Last evaluated: 2023-12-31. Review status: criteria provided, single submitter. Criteria: Invitae Variant Classification Sherloc (09022015). Collection method: clinical testing. Allele origin: unknown.
Comment: This variant is a gross deletion of the genomic region encompassing exon(s) 38-45 of the ATM gene. This deletion is out-of-frame, and is expected to create a premature termination codon and result in an absent or disrupted protein product. Loss-of-function variants in ATM are known to be pathogenic (PMID: 23807571, 25614872). This variant has not been reported in the literature in individuals affected with ATM-related conditions. For these reasons, this variant has been classified as Pathogenic.

Literature cited by the submitters: PubMed 23807571; PubMed 25614872.

NC_000011.9:g.(?_108178604)_(108192167_?)del

Gene: ATM (ATM serine/threonine kinase; plus strand). Cytogenetic location: 11q22.3.
Variant type: Deletion.
Identifiers: ClinVar variation 3244479 (VCV003244479.1).